The following is an entry in ClinVar:

ClinVar aggregate classification (germline): Uncertain significance (1 of 4 stars; one submission).

Submission:

Ambry Genetics
Classification: Uncertain significance. Last evaluated: 2024-12-28. Review status: criteria provided, single submitter. Criteria: Ambry Variant Classification Scheme 2023. Collection method: clinical testing. Allele origin: germline.
Comment: The p.G206R variant (also known as c.616G>C), located in coding exon 4 of the GEN1 gene, results from a G to C substitution at nucleotide position 616. The glycine at codon 206 is replaced by arginine, an amino acid with dissimilar properties. This amino acid position is conserved. In addition, this alteration is predicted to be deleterious by in silico analysis. Based on the available evidence, the clinical significance of this variant remains unclear.

NM_001130009.3(GEN1):c.616G>C (p.Gly206Arg)

Gene: GEN1 (GEN1 Holliday junction 5' flap endonuclease; plus strand). Cytogenetic location: 2p24.2.
Variant type: single nucleotide variant.
Coding change: c.616G>C on transcript NM_001130009.3 (MANE Select); coding-DNA position 616, G replaced by C.
Protein change: p.Gly206Arg; replaces glycine 206 with arginine.
Molecular consequence: missense variant.
Genome position (GRCh38, 1-based): chr2:17,766,669, G>C. VCF-style: chr2-17766669-G-C. GRCh37 (hg19) VCF-style: chr2-17947936-G-C.
Other names: c.616G>C, p.Gly206Arg (NM_182625.5); short protein forms G206R.
Identifiers: ClinVar variation 3853465 (VCV003853465.1).